The following is an entry in ClinVar:

NM_024570.4(RNASEH2B):c.913A>C (p.Asn305His)

Gene: RNASEH2B (ribonuclease H2 subunit B; plus strand). Cytogenetic location: 13q14.3.
Variant type: single nucleotide variant.
Coding change: c.913A>C on transcript NM_024570.4 (MANE Select); coding-DNA position 913, A replaced by C.
Protein change: p.Asn305His; replaces asparagine 305 with histidine.
Molecular consequence: missense variant. On other transcripts: intron variant (1).
Genome position (GRCh38, 1-based): chr13:50,956,448, A>C. VCF-style: chr13-50956448-A-C. GRCh37 (hg19) VCF-style: chr13-51530584-A-C.
Other names: c.741+6943A>C (NM_001142279.2); short protein forms N305H.
Identifiers: ClinVar variation 1424890 (VCV001424890.6), dbSNP rs2138027653, ClinGen allele CA388260473.

ClinVar aggregate classification (germline): Uncertain significance (1 of 4 stars; one submission).

Conditions:
Aicardi-Goutieres syndrome 2. Identifiers: Orphanet 51, MedGen C3489724, MONDO:0012429, OMIM 610181.

Submission:

Labcorp Genetics (formerly Invitae), Labcorp
Classification: Uncertain significance for Aicardi-Goutieres syndrome 2. Last evaluated: 2021-11-06. Review status: criteria provided, single submitter. Criteria: Invitae Variant Classification Sherloc (09022015). Collection method: clinical testing. Allele origin: germline.
Comment: Algorithms developed to predict the effect of missense changes on protein structure and function output the following: SIFT: "Tolerated"; PolyPhen-2: "Benign"; Align-GVGD: "Class C0". The histidine amino acid residue is found in multiple mammalian species, which suggests that this missense change does not adversely affect protein function. This variant has not been reported in the literature in individuals affected with RNASEH2B-related conditions. In summary, the available evidence is currently insufficient to determine the role of this variant in disease. Therefore, it has been classified as a Variant of Uncertain Significance. This variant is not present in population databases (gnomAD no frequency). This sequence change replaces asparagine, which is neutral and polar, with histidine, which is basic and polar, at codon 305 of the RNASEH2B protein (p.Asn305His).